The following is an entry in ClinVar:

NM_001042492.3(NF1):c.7821_7822insTC (p.Glu2608fs)

Gene: NF1 (neurofibromin 1; plus strand). Cytogenetic location: 17q11.2.
Variant type: Insertion.
Coding change: c.7821_7822insTC on transcript NM_001042492.3 (MANE Select); coding-DNA positions 7821 to 7822, TC inserted.
Protein change: p.Glu2608fs; shifts the reading frame from glutamic acid 2608.
Molecular consequence: frameshift variant.
Genome position: GRCh38 VCF-style: chr17-31357042-A-ATC. GRCh37 (hg19) VCF-style: chr17-29684060-A-ATC.
Other names: c.7758_7759insTC, p.Glu2587Serfs (NM_000267.4); short protein forms E2587fs, E2608fs.
Identifiers: ClinVar variation 1362634 (VCV001362634.6), dbSNP rs2151582417, ClinGen allele CA2573153446.
Genomic context (GRCh38, chr17:31,357,042, plus strand): 5'-ACAACAGCACCCACATTTACGTAAAGTTTCAGTGTCTGAATCAAATGTTCTCTTGGATGA[A>ATC]GAAGTACTTACTGATCCGAAGATCCAGGCGCTGCTTCTTACTGTTCTAGTAAGGATTTCC-3'

ClinVar aggregate classification (germline): Pathogenic (1 of 4 stars; one submission).

Conditions:
Neurofibromatosis, type 1 (NF1). Also called: NEUROFIBROMATOSIS, TYPE I, SOMATIC; VON RECKLINGHAUSEN DISEASE; Neurofibromatosis, type I; Peripheral type neurofibromatosis. Identifiers: Orphanet 636, MedGen C0027831, MONDO:0018975, OMIM 162200. Disease mechanism: loss of function.

Submission:

Labcorp Genetics (formerly Invitae), Labcorp
Classification: Pathogenic for Neurofibromatosis, type 1. Last evaluated: 2021-09-16. Review status: criteria provided, single submitter. Criteria: Invitae Variant Classification Sherloc (09022015). Collection method: clinical testing. Allele origin: germline.
Comment: This sequence change creates a premature translational stop signal (p.Glu2587Serfs*17) in the NF1 gene. It is expected to result in an absent or disrupted protein product. Loss-of-function variants in NF1 are known to be pathogenic (PMID: 10712197, 23913538). This variant is not present in population databases (ExAC no frequency). This variant has not been reported in the literature in individuals affected with NF1-related conditions. For these reasons, this variant has been classified as Pathogenic.

Literature cited by the submitters: PubMed 10712197; PubMed 23913538.